The following is an entry in ClinVar:

ClinVar aggregate classification (germline): Conflicting classifications of pathogenicity. Review status: criteria provided, conflicting classifications (1 of 4 stars). 2 submissions from 2 submitters: Likely pathogenic (1); Uncertain significance (1). Last evaluated 2025-08-13.

Conditions:
Sifrim-Hitz-Weiss syndrome (SIHIWES). Also called: CHD4 Neurodevelopmental Disorder; SIFRIM-HITZ-WEISS MULTIPLE CONGENITAL ANOMALIES-MENTAL RETARDATION SYNDROME. Identifiers: Orphanet 653712, MedGen C4310688, MONDO:0014946, OMIM 617159.

Submissions (2):

GeneDx
Classification: Uncertain significance. Last evaluated: 2025-08-13. Review status: criteria provided, single submitter. Criteria: GeneDx Variant Classification Process June 2021. Collection method: clinical testing. Allele origin: germline. Affected: yes.
Comment: Not observed at significant frequency in large population cohorts (gnomAD); In silico analysis supports that this missense variant has a deleterious effect on protein structure/function; Has not been previously published as pathogenic or benign to our knowledge

Victorian Clinical Genetics Services, Murdoch Childrens Research Institute
Classification: Likely pathogenic for Sifrim-Hitz-Weiss syndrome. Last evaluated: 2025-06-26. Review status: criteria provided, single submitter. Criteria: ACMG Guidelines, 2015. Collection method: clinical testing. Allele origin: germline. Affected: yes.
Comment: This variant is classified as Likely pathogenic. Evidence in support of pathogenic classification: Variant is absent from gnomAD (v2, v3 and v4); Missense variant predicted to be damaging by in silico tool(s) or highly conserved with a major amino acid change; Additional information: Variant is predicted to result in a missense amino acid change from arginine to cysteine; This variant is heterozygous; This gene is associated with autosomal dominant disease; Alternative amino acid change(s) at the same position are present in gnomAD (v4: 1 heterozygote(s), 0 homozygote(s)); This variant has no previous evidence of pathogenicity; No published segregation evidence has been identified for this variant; No published functional evidence has been identified for this variant; No comparable missense variants have previous evidence for pathogenicity; Variant is not located in an established domain, motif, hotspot or informative constraint region; The mechanism of disease for this gene is not clearly established. The mechanism of disease for Sifrim-Hitz-Weiss syndrome (MIM#617159) is suggested to be dominant negative or gain of function (PMID: 31388190). Protein truncating variants have been reported; however, these cases lack consistent clinical features with the disease mechanism remaining unclear (PMID: 31388190, 31474762); Variants in this gene are known to have variable expressivity (OMIM; PMID: 31388190).

Literature cited by the submitters: PubMed 31474762 (cited by Victorian Clinical Genetics Services, Murdoch Childrens Research Institute); PubMed 31388190 (cited by Victorian Clinical Genetics Services, Murdoch Childrens Research Institute).

NM_001273.5(CHD4):c.3778C>T (p.Arg1260Cys)

Gene: CHD4 (chromodomain helicase DNA binding protein 4; minus strand). Cytogenetic location: 12p13.31.
Variant type: single nucleotide variant.
Coding change: c.3778C>T on transcript NM_001273.5 (MANE Select); coding-DNA position 3778, C replaced by T.
Protein change: p.Arg1260Cys; replaces arginine 1260 with cysteine.
Molecular consequence: missense variant.
Genome position (GRCh38, 1-based): chr12:6,587,485, G>A on the plus strand (C>T on the coding strand, the complement: CHD4 is on the minus strand). VCF-style: chr12-6587485-G-A. GRCh37 (hg19) VCF-style: chr12-6696651-G-A.
Other names: c.3757C>T, p.Arg1253Cys (NM_001297553.2); c.3739C>T, p.Arg1247Cys (NM_001363606.2); c.3778C>T (NM_001273.2); short protein forms R1247C, R1253C, R1260C.
Identifiers: ClinVar variation 3377199 (VCV003377199.4).